The following is an entry in ClinVar:

NM_000268.4(NF2):c.592C>T (p.Arg198Ter)

Gene: NF2 (NF2, moesin-ezrin-radixin like (MERLIN) tumor suppressor; plus strand). Cytogenetic location: 22q12.2.
Variant type: single nucleotide variant.
Coding change: c.592C>T on transcript NM_000268.4 (MANE Select); coding-DNA position 592, C replaced by T.
Protein change: p.Arg198Ter; replaces arginine 198 with a stop codon.
Molecular consequence: nonsense. On other transcripts: non-coding transcript variant (1), intron variant (1).
Genome position (GRCh38, 1-based): chr22:29,655,669, C>T. VCF-style: chr22-29655669-C-T. GRCh37 (hg19) VCF-style: chr22-30051658-C-T.
Other names: c.592C>T, p.Arg198Ter (NM_181825.3, NM_181832.3, NM_016418.5); c.466C>T, p.Arg156Ter (NM_181828.3); c.469C>T, p.Arg157Ter (NM_181829.3); c.343C>T, p.Arg115Ter (NM_181830.3, NM_181831.3); c.447+13384C>T (NM_181833.3); short protein forms R198*, R156*, R115*, R157*.
Identifiers: ClinVar variation 457922 (VCV000457922.19), dbSNP rs1555993345, ClinGen allele CA411142708.
Genomic context (GRCh38, chr22:29,655,669, plus strand): 5'-CAGATGACTCCGGAAATGTGGGAGGAGAGAATTACTGCTTGGTACGCAGAGCACCGAGGC[C>T]GAGCCAGGTGAGGCCCATTCATTGTTGGTTTACATTCCTTTATGGGCTTTTTTTTTTTTT-3'

ClinVar aggregate classification (germline): Pathogenic. Review status: criteria provided, multiple submitters, no conflicts (2 of 4 stars). 10 submissions from 10 submitters: Pathogenic (10). Last evaluated 2025-03-25.

Conditions:
Hereditary cancer-predisposing syndrome. Also called: Neoplastic Syndromes, Hereditary; Tumor predisposition; Hereditary neoplastic syndrome; Hereditary Cancer Syndrome. Identifiers: Orphanet 140162, MedGen C0027672, MeSH D009386, MONDO:0015356.
Neurofibromatosis, type 2 (SWNV). Also called: BILATERAL ACOUSTIC NEUROFIBROMATOSIS; SCHWANNOMATOSIS, VESTIBULAR; NF2-Related Schwannomatosis. Identifiers: Orphanet 637, MedGen C0027832, MONDO:0007039, OMIM 101000. Disease mechanism: loss of function.

Submissions (10):

Variantyx, Inc.
Classification: Pathogenic for Neurofibromatosis, type 2. Last evaluated: 2025-03-25. Review status: criteria provided, single submitter. Criteria: Variantyx Assertion Criteria 2022. Collection method: clinical testing. Allele origin: germline. Affected: yes.
Comment: This is a nonsense variant in the NF2 gene (OMIM: 607379). Pathogenic variants in this gene have been associated with autosomal dominant neurofibromatosis type 2. This variant introduces a premature termination codon in exon 6 out of 16. It is expected to result in loss of function, which is a known disease mechanism for NF2 in this disorder (PMID: 25893302, 19545378, 8453669) (PVS1). This variant has been reported in several unrelated affected individuals (PMID: 7711726, 18033041, 18670066, 24815379, 26066488) (PS4). This variant is absent from control populations. Based on the current evidence, this variant is classified as pathogenic for autosomal dominant neurofibromatosis type 2.

Institute for Genomic Medicine (IGM) Clinical Laboratory, Nationwide Children's Hospital
Classification: Pathogenic for Neurofibromatosis, type 2. Last evaluated: 2025-03-17. Review status: criteria provided, single submitter. Criteria: ACMG Guidelines, 2015. Collection method: clinical testing. Allele origin: germline.
Comment: This variant is predicted to result in loss of function through nonsense-mediated decay of the encoded transcript or premature truncation of the encoded protein in a gene in which loss of function is a known mechanism of disease (ACMG/AMP: PVS1; PMID:9643284). This variant has been reported at an elevated frequency in affected individuals/in multiple affected individuals in the literature (ACMG/AMP: PS4; PMIDs:7711726, 9643284, 18033041, 18670066, 24815379, 26066488). This variant is absent from or present at an exceedingly low frequency in gnomAD, a large-scale control population database (ACMG/AMP: PM2).

Ambry Genetics
Classification: Pathogenic for Hereditary cancer-predisposing syndrome. Last evaluated: 2025-03-04. Review status: criteria provided, single submitter. Criteria: Ambry Variant Classification Scheme 2023. Collection method: clinical testing. Allele origin: germline.
Comment: The p.R198* pathogenic mutation (also known as c.592C>T), located in coding exon 6 of the NF2 gene, results from a C to T substitution at nucleotide position 592. This changes the amino acid from an arginine to a stop codon within coding exon 6. This variant was reported in individual(s) with features consistent with NF2-related schwannomatosis (Paganini I et al. J Mol Diagn, 2014 Jul;16:393-9; Louvrier C et al. Neuro Oncol, 2018 Jun;20:917-929; Teranishi Y et al. J Med Genet, 2021 Oct;58:701-711; Ambry internal data). This variant is considered to be rare based on population cohorts in the Genome Aggregation Database (gnomAD). In addition to the clinical data presented in the literature, this alteration is expected to result in loss of function by premature protein truncation or nonsense-mediated mRNA decay. As such, this alteration is interpreted as a disease-causing mutation.

Genomic Medicine Center of Excellence, King Faisal Specialist Hospital and Research Centre
Classification: Pathogenic for Neurofibromatosis, type 2. Last evaluated: 2024-12-18. Review status: criteria provided, single submitter. Criteria: ACMG Guidelines, 2015. Collection method: clinical testing. Allele origin: germline.

Labcorp Genetics (formerly Invitae), Labcorp
Classification: Pathogenic for Neurofibromatosis, type 2. Last evaluated: 2024-07-06. Review status: criteria provided, single submitter. Criteria: Invitae Variant Classification Sherloc (09022015). Collection method: clinical testing. Allele origin: germline.
Comment: This sequence change creates a premature translational stop signal (p.Arg198*) in the NF2 gene. It is expected to result in an absent or disrupted protein product. Loss-of-function variants in NF2 are known to be pathogenic (PMID: 9643284, 16983642). This variant is not present in population databases (gnomAD no frequency). This premature translational stop signal has been observed in individuals with neurofibromatosis type 2 (PMID: 7711726, 18033041, 18670066, 24815379, 26066488; Invitae). Invitae’s NF2-related schwannomatosis clinical variant model, which takes into account the clinical and family history, age, sex, and reported ancestry of multiple individuals with this NF2 variant, predicts that it is pathogenic with a positive predictive value of at least 99%. This is a validated machine learning model developed at Invitae that incorporates the clinical features of 10,624 individuals referred for testing at Invitae. ClinVar contains an entry for this variant (Variation ID: 457922). For these reasons, this variant has been classified as Pathogenic.

GeneDx
Classification: Pathogenic. Last evaluated: 2023-08-14. Review status: criteria provided, single submitter. Criteria: GeneDx Variant Classification Process June 2021. Collection method: clinical testing. Allele origin: germline. Affected: yes.
Comment: Nonsense variant predicted to result in protein truncation or nonsense mediated decay in a gene for which loss-of-function is a known mechanism of disease; Not observed at significant frequency in large population cohorts (gnomAD); This variant is associated with the following publications: (PMID: 18670066, 25525159, 26066488, 7711726, 21294614, 18554169, 10771486, 11275983, 19148485, 29409008, 33067351, 36599646, 24815379)

Victorian Clinical Genetics Services, Murdoch Childrens Research Institute
Classification: Pathogenic for Neurofibromatosis, type 2. Last evaluated: 2023-07-17. Review status: criteria provided, single submitter. Criteria: ACMG Guidelines, 2015. Collection method: clinical testing. Allele origin: germline. Inheritance: Autosomal dominant inheritance. Affected: yes.
Comment: Based on the classification scheme VCGS_Germline_v1.3.4, this variant is classified as Pathogenic. Following criteria are met: 0102 - Loss of function is a known mechanism of disease in this gene and is associated with neurofibromatosis, type 2 (MIM#101000). Somatic variants resulting in the loss of the second allele contribute to meningioma, NF2-related (MIM#607174) and schwannomatosis (MIM#162091). (I) 0107 - This gene is associated with autosomal dominant disease. (I) 0201 - Variant is predicted to cause nonsense-mediated decay (NMD) and loss of protein (premature termination codon is located at least 54 nucleotides upstream of the final exon-exon junction). (SP) 0251 - This variant is heterozygous. (I) 0301 - Variant is absent from gnomAD (both v2 and v3). (SP) 0701 - Other NMD-predicted variants comparable to the one identified in this case have very strong previous evidence for pathogenicity. These variants have been reported many times as pathogenic in individuals with neurofibromatosis, with or without meningiomas and schwannomas (DECIPHER, PMID: 29409008). (SP) 0801 - This variant has strong previous evidence of pathogenicity in unrelated individuals. This variant has been reported multiple times as pathogenic, and observed in at least four individuals with neurofibromatosis (PMID: 29409008, ClinVar). (SP) Legend: (SP) - Supporting pathogenic, (I) - Information, (SB) - Supporting benign

Genome-Nilou Lab
Classification: Pathogenic for Neurofibromatosis, type 2. Last evaluated: 2021-11-07. Review status: criteria provided, single submitter. Criteria: ACMG Guidelines, 2015. Collection method: clinical testing. Allele origin: germline. Affected: no.

Athena Diagnostics
Classification: Pathogenic. Last evaluated: 2018-06-25. Review status: criteria provided, single submitter. Criteria: Athena Diagnostics Criteria. Collection method: clinical testing. Allele origin: germline.

Center for Human Genetics, Inc
Classification: Pathogenic for Neurofibromatosis, type 2. Last evaluated: 2016-11-01. Review status: criteria provided, single submitter. Criteria: ACMG Guidelines, 2015. Collection method: clinical testing. Allele origin: germline. Affected: yes.

Literature cited by the submitters: PubMed 9643284 (cited by Institute for Genomic Medicine (IGM) Clinical Laboratory, Nationwide Children's Hospital and Labcorp Genetics (formerly Invitae), Labcorp); PubMed 7711726 (cited by 3 submitters); PubMed 18033041 (cited by Institute for Genomic Medicine (IGM) Clinical Laboratory, Nationwide Children's Hospital and Labcorp Genetics (formerly Invitae), Labcorp); PubMed 18670066 (cited by 3 submitters); PubMed 24815379 (cited by 4 submitters); PubMed 26066488 (cited by 3 submitters); PubMed 29409008 (cited by Ambry Genetics and Victorian Clinical Genetics Services, Murdoch Childrens Research Institute); PubMed 33067351 (cited by Ambry Genetics); PubMed 16983642 (cited by Labcorp Genetics (formerly Invitae), Labcorp); PubMed 25525159 (cited by Athena Diagnostics).